The following is an entry in ClinVar:

ClinVar aggregate classification (germline): Uncertain significance (1 of 4 stars; one submission).

Conditions:
Severe combined immunodeficiency due to DNA-PKcs deficiency. Also called: Immunodeficiency 26 with or without neurologic abnormalities; IMMUNODEFICIENCY 26 WITH NEUROLOGIC ABNORMALITIES. Identifiers: Orphanet 317425, MedGen C4014833, MONDO:0014423, OMIM 615966.

Allele frequency attached by ClinVar (database versions not stated): TOPMed below 0.00001; gnomAD 0.00001.
gnomAD v4.1: 1 of 1,519,602 alleles (0.000066%); highest among the groups gnomAD compares: Non-Finnish European, 0.000089%; no homozygotes.

Submission:

Labcorp Genetics (formerly Invitae), Labcorp
Classification: Uncertain significance for Severe combined immunodeficiency due to DNA-PKcs deficiency. Last evaluated: 2024-12-09. Review status: criteria provided, single submitter. Criteria: Invitae Variant Classification Sherloc (09022015). Collection method: clinical testing. Allele origin: germline.
Comment: This sequence change replaces leucine, which is neutral and non-polar, with serine, which is neutral and polar, at codon 171 of the PRKDC protein (p.Leu171Ser). This variant is not present in population databases (gnomAD no frequency). This variant has not been reported in the literature in individuals affected with PRKDC-related conditions. ClinVar contains an entry for this variant (Variation ID: 2012884). Invitae Evidence Modeling of protein sequence and biophysical properties (such as structural, functional, and spatial information, amino acid conservation, physicochemical variation, residue mobility, and thermodynamic stability) indicates that this missense variant is expected to disrupt PRKDC protein function with a positive predictive value of 80%. In summary, the available evidence is currently insufficient to determine the role of this variant in disease. Therefore, it has been classified as a Variant of Uncertain Significance.

NM_006904.7(PRKDC):c.512T>C (p.Leu171Ser)

Gene: PRKDC (protein kinase, DNA-activated, catalytic subunit; minus strand). Cytogenetic location: 8q11.21.
Variant type: single nucleotide variant.
Coding change: c.512T>C on transcript NM_006904.7 (MANE Select); coding-DNA position 512, T replaced by C.
Protein change: p.Leu171Ser; replaces leucine 171 with serine.
Molecular consequence: missense variant.
Genome position (GRCh38, 1-based): chr8:47,953,916, A>G on the plus strand (T>C on the coding strand, the complement: PRKDC is on the minus strand). VCF-style: chr8-47953916-A-G. GRCh37 (hg19) VCF-style: chr8-48866476-A-G.
Other names: c.512T>C, p.Leu171Ser (NM_001081640.2); short protein forms L171S.
Identifiers: ClinVar variation 2012884 (VCV002012884.4), dbSNP rs1156524135, ClinGen allele CA371138938.